The following is an entry in ClinVar:

NM_006019.4(TCIRG1):c.1097G>A (p.Arg366His)

Gene: TCIRG1 (T cell immune regulator 1, ATPase H+ transporting V0 subunit a3; plus strand). Cytogenetic location: 11q13.2.
Variant type: single nucleotide variant.
Coding change: c.1097G>A on transcript NM_006019.4 (MANE Select); coding-DNA position 1097, G replaced by A.
Protein change: p.Arg366His; replaces arginine 366 with histidine.
Molecular consequence: missense variant.
Genome position (GRCh38, 1-based): chr11:68,045,034, G>A. VCF-style: chr11-68045034-G-A. GRCh37 (hg19) VCF-style: chr11-67812501-G-A.
Other names: c.203G>A, p.Arg68His (NM_001351059.2); c.449G>A, p.Arg150His (NM_006053.4); short protein forms R366H, R150H, R68H.
Identifiers: ClinVar variation 305798 (VCV000305798.9), dbSNP rs369983011, ClinGen allele CA6146946.

ClinVar aggregate classification (germline): Uncertain significance. Review status: criteria provided, multiple submitters, no conflicts (2 of 4 stars). 4 submissions from 4 submitters: Uncertain significance (4). Last evaluated 2025-08-26.

Conditions:
Inborn genetic diseases. Identifiers: MedGen C0950123, MeSH D030342.
TCIRG1-related disorder. Also called: TCIRG1-related condition.
Autosomal recessive osteopetrosis 1. Also called: ALBERS-SCHONBERG DISEASE, AUTOSOMAL RECESSIVE; TCIRG1-Related Autosomal Recessive Osteopetrosis; TCIRG1-Related Osteopetrosis. Identifiers: Orphanet 667, MedGen C1850127, MONDO:0009815, OMIM 259700.

Allele frequency attached by ClinVar (database versions not stated): gnomAD exomes 0.00003 and 0.00007; ExAC 0.00006; ESP Exome Variant Server 0.00015; gnomAD 0.00019 and 0.00021; TOPMed 0.00030.
gnomAD v4.1: 78 of 1,607,246 alleles (0.0049%); highest among the groups gnomAD compares: African/African-American, 0.059%; no homozygotes.

Submissions (4):

PreventionGenetics, part of Exact Sciences
Classification: Uncertain significance for TCIRG1-related condition. Last evaluated: 2025-08-26. Review status: criteria provided, single submitter. Criteria: ACMG Guidelines, 2015. Collection method: clinical testing. Allele origin: germline.
Comment: The TCIRG1 c.1097G>A variant is predicted to result in the amino acid substitution p.Arg366His. To our knowledge, this variant has not been reported in the literature. This variant is reported in 0.064% of alleles in individuals of African descent in gnomAD. At this time, the clinical significance of this variant is uncertain due to the absence of conclusive functional and genetic evidence.

Ambry Genetics
Classification: Uncertain significance for Inborn genetic diseases. Last evaluated: 2023-03-02. Review status: criteria provided, single submitter. Criteria: Ambry Variant Classification Scheme 2023. Collection method: clinical testing. Allele origin: germline.

Labcorp Genetics (formerly Invitae), Labcorp
Classification: Uncertain significance. Last evaluated: 2022-10-13. Review status: criteria provided, single submitter. Criteria: Invitae Variant Classification Sherloc (09022015). Collection method: clinical testing. Allele origin: germline.
Comment: This sequence change replaces arginine, which is basic and polar, with histidine, which is basic and polar, at codon 366 of the TCIRG1 protein (p.Arg366His). This variant is present in population databases (rs369983011, gnomAD 0.07%). This variant has not been reported in the literature in individuals affected with TCIRG1-related conditions. ClinVar contains an entry for this variant (Variation ID: 305798). Advanced modeling of protein sequence and biophysical properties (such as structural, functional, and spatial information, amino acid conservation, physicochemical variation, residue mobility, and thermodynamic stability) performed at Invitae indicates that this missense variant is expected to disrupt TCIRG1 protein function. In summary, the available evidence is currently insufficient to determine the role of this variant in disease. Therefore, it has been classified as a Variant of Uncertain Significance.

Illumina Laboratory Services, Illumina
Classification: Uncertain significance for Autosomal recessive osteopetrosis 1. Last evaluated: 2018-01-12. Review status: criteria provided, single submitter. Criteria: ICSL Variant Classification Criteria 13 December 2019. Collection method: clinical testing. Allele origin: germline.